The following is an entry in ClinVar:

NM_001754.5(RUNX1):c.258G>A (p.Pro86=)

Gene: RUNX1 (RUNX family transcription factor 1; minus strand). Cytogenetic location: 21q22.12.
Variant type: single nucleotide variant.
Coding change: c.258G>A on transcript NM_001754.5 (MANE Select); coding-DNA position 258, G replaced by A.
Protein change: p.Pro86=; no amino-acid change (proline 86 retained).
Molecular consequence: synonymous variant.
Genome position (GRCh38, 1-based): chr21:34,886,936, C>T on the plus strand (G>A on the coding strand, the complement: RUNX1 is on the minus strand). VCF-style: chr21-34886936-C-T. GRCh37 (hg19) VCF-style: chr21-36259233-C-T.
Other names: NM_001754.5(RUNX1):c.258G>A; p.Pro86=; c.177G>A, p.Pro59= (NM_001001890.3, NM_001122607.2); c.258G>A (NM_001754.4).
Identifiers: ClinVar variation 1007447 (VCV001007447.10), dbSNP rs55941652, ClinGen allele CA320642685.

ClinVar aggregate classification (germline): Likely benign. Review status: reviewed by expert panel (3 of 4 stars). 3 submissions from 3 submitters: Likely benign (1). 2 of the submissions do not count toward it. Last evaluated 2024-07-11.

Conditions:
Hereditary thrombocytopenia and hematologic cancer predisposition syndrome. Identifiers: Orphanet 71290, MedGen CN281654, MONDO:0011071.
Inborn genetic diseases. Identifiers: MedGen C0950123, MeSH D030342.
Hereditary thrombocytopenia and hematological cancer predisposition syndrome associated with RUNX1. Also called: Familial thrombocytopenia with propensity to acute myelogenous leukemia; PLATELET DISORDER, ASPIRIN-LIKE; RUNX1 Familial Platelet Disorder with Associated Myeloid Malignancies; Familial Platelet Disorder with Propensity to Acute Myelogenous Leukemia. Identifiers: Orphanet 71290, MedGen C1832388, MeSH C563324, MONDO:0100083, OMIM 601399.

Allele frequency attached by ClinVar (database versions not stated): TOPMed below 0.00001; ESP Exome Variant Server 0.00008.

Submissions (3):

ClinGen Myeloid Malignancy Variant Curation Expert Panel
Classification: Likely benign for Hereditary thrombocytopenia and hematologic cancer predisposition syndrome. Last evaluated: 2024-07-11. Review status: reviewed by expert panel. Criteria: ClinGen MyeloMalig ACMG Specifications v2. Collection method: curation. Allele origin: germline. Inheritance: Autosomal dominant inheritance.
Comment: NM_001754.5:c.258G>A (p.Pro86=) is a synonymous variant which is not predicted by SpliceAI to impact splicing. In addition, it occurs at a nucleotide that is not conserved as shown by its phyloP score (BP4, BP7). The germline variant has not been reported in patients meeting the RUNX1 phenotypic criteria and has been identified at an overall minor allele frequency of 0.0077% (1/13002 alleles) in ESP. In summary, this variant meets the criteria to be classified as likely benign for hereditary thrombocytopenia and hematologic cancer predisposition syndrome based on the ACMG/AMP criteria applied, as specified by the ClinGen Myeloid Malignancy VCEP: BP4, BP7.

Labcorp Genetics (formerly Invitae), Labcorp
Classification: Likely benign for Hereditary thrombocytopenia and hematological cancer predisposition syndrome associated with RUNX1. Last evaluated: 2025-03-18. Review status: criteria provided, single submitter. Criteria: Invitae Variant Classification Sherloc (09022015). Collection method: clinical testing. Allele origin: germline. Not counted in ClinVar's aggregate classification.

Ambry Genetics
Classification: Likely benign for Inborn genetic diseases. Last evaluated: 2024-12-06. Review status: criteria provided, single submitter. Criteria: Ambry Variant Classification Scheme 2023. Collection method: clinical testing. Allele origin: germline. Not counted in ClinVar's aggregate classification.